The following is an entry in ClinVar:

NM_005559.4(LAMA1):c.8603G>C (p.Ser2868Thr)

Gene: LAMA1 (laminin subunit alpha 1; minus strand). Cytogenetic location: 18p11.31.
Variant type: single nucleotide variant.
Coding change: c.8603G>C on transcript NM_005559.4 (MANE Select); coding-DNA position 8603, G replaced by C.
Protein change: p.Ser2868Thr; replaces serine 2868 with threonine.
Molecular consequence: missense variant.
Genome position (GRCh38, 1-based): chr18:6,948,510, C>G on the plus strand (G>C on the coding strand, the complement: LAMA1 is on the minus strand). VCF-style: chr18-6948510-C-G. GRCh37 (hg19) VCF-style: chr18-6948509-C-G.
Other names: c.8603G>C (NM_005559.3); short protein forms S2868T.
Identifiers: ClinVar variation 1382668 (VCV001382668.9), dbSNP rs765974845, ClinGen allele CA8880412.

ClinVar aggregate classification (germline): Uncertain significance. Review status: criteria provided, multiple submitters, no conflicts (2 of 4 stars). 2 submissions from 2 submitters: Uncertain significance (2). Last evaluated 2025-10-28.

Conditions:
Inborn genetic diseases. Identifiers: MedGen C0950123, MeSH D030342.

Allele frequency attached by ClinVar (database versions not stated): ExAC 0.00001.
gnomAD v4.1: 4 of 1,614,186 alleles (0.00025%); highest among the groups gnomAD compares: Admixed American, 0.0067%; no homozygotes.

Submissions (2):

Ambry Genetics
Classification: Uncertain significance for Inborn genetic diseases. Last evaluated: 2025-10-28. Review status: criteria provided, single submitter. Criteria: Ambry Variant Classification Scheme 2023. Collection method: clinical testing. Allele origin: germline.

Labcorp Genetics (formerly Invitae), Labcorp
Classification: Uncertain significance. Last evaluated: 2022-10-05. Review status: criteria provided, single submitter. Criteria: Invitae Variant Classification Sherloc (09022015). Collection method: clinical testing. Allele origin: germline.
Comment: This sequence change replaces serine, which is neutral and polar, with threonine, which is neutral and polar, at codon 2868 of the LAMA1 protein (p.Ser2868Thr). This variant is present in population databases (rs765974845, gnomAD 0.009%). This variant has not been reported in the literature in individuals affected with LAMA1-related conditions. ClinVar contains an entry for this variant (Variation ID: 1382668). Advanced modeling of protein sequence and biophysical properties (such as structural, functional, and spatial information, amino acid conservation, physicochemical variation, residue mobility, and thermodynamic stability) performed at Invitae indicates that this missense variant is not expected to disrupt LAMA1 protein function. In summary, the available evidence is currently insufficient to determine the role of this variant in disease. Therefore, it has been classified as a Variant of Uncertain Significance.